The following is an entry in ClinVar:

NM_004006.3(DMD):c.31+20A>G

Gene: DMD (dystrophin; minus strand). Cytogenetic location: Xp21.1.
Variant type: single nucleotide variant.
Coding change: c.31+20A>G on transcript NM_004006.3 (MANE Select); 20 bases into the intron after coding-DNA position 31, A replaced by G.
Molecular consequence: intron variant.
Genome position (GRCh38, 1-based): chrX:33,211,262, T>C on the plus strand (A>G on the coding strand, the complement: DMD is on the minus strand). VCF-style: chrX-33211262-T-C. GRCh37 (hg19) VCF-style: chrX-33229379-T-C.
Other names: c.7+127997A>G (NM_000109.4).
Identifiers: ClinVar variation 510466 (VCV000510466.4), dbSNP rs889480473, ClinGen allele CA328621601.
Genomic context (GRCh38, chrX:33,211,262, plus strand): 5'-CAATCTACCTAATTAGTGAGCTTGTCACAAACTAAACGTTATGCCACAGTAAAATATATT[T>C]TTAGTTACTTTGTACTTACAACAGTCCTCTACTTCTTCCCACCAAAGCATTTTGAAAAGT-3'

ClinVar aggregate classification (germline): Likely benign. Review status: criteria provided, multiple submitters, no conflicts (2 of 4 stars). 2 submissions from 2 submitters: Likely benign (2). Last evaluated 2023-03-10.

Conditions:
Duchenne muscular dystrophy (DMD). Also called: MUSCULAR DYSTROPHY, PSEUDOHYPERTROPHIC PROGRESSIVE, DUCHENNE TYPE; Duchenne Muscular Dystrophy (DMD). Identifiers: Orphanet 98896, MedGen C0013264, MONDO:0010679, OMIM 310200.

Allele frequency attached by ClinVar (database versions not stated): gnomAD exomes below 0.00001 and 0.00001; TOPMed 0.00002.
gnomAD v4.1: 1 of 1,205,992 alleles (0.000083%); highest among the groups gnomAD compares: Admixed American, 0.0022%; no homozygotes.

Submissions (2):

Labcorp Genetics (formerly Invitae), Labcorp
Classification: Likely benign for Duchenne muscular dystrophy. Last evaluated: 2023-03-10. Review status: criteria provided, single submitter. Criteria: Invitae Variant Classification Sherloc (09022015). Collection method: clinical testing. Allele origin: germline.

GeneDx
Classification: Likely benign. Last evaluated: 2017-06-27. Review status: criteria provided, single submitter. Criteria: GeneDx Variant Classification (06012015). Collection method: clinical testing. Allele origin: germline. Affected: yes.
Comment: This variant is considered likely benign or benign based on one or more of the following criteria: it is a conservative change, it occurs at a poorly conserved position in the protein, it is predicted to be benign by multiple in silico algorithms, and/or has population frequency not consistent with disease.